The following is an entry in ClinVar:

NM_001943.5(DSG2):c.2768C>G (p.Pro923Arg)

Genes: DSG2 (desmoglein 2; plus strand), DSG2-AS1 (DSG2 antisense RNA 1; minus strand). Cytogenetic location: 18q12.1.
Variant type: single nucleotide variant.
Coding change: c.2768C>G on transcript NM_001943.5 (MANE Select); coding-DNA position 2768, C replaced by G.
Protein change: p.Pro923Arg; replaces proline 923 with arginine.
Molecular consequence: missense variant.
Genome position (GRCh38, 1-based): chr18:31,546,154, C>G. VCF-style: chr18-31546154-C-G. GRCh37 (hg19) VCF-style: chr18-29126117-C-G.
Other names: c.2768C>G (NM_001943.3); short protein forms P923R.
Identifiers: ClinVar variation 978279 (VCV000978279.20), dbSNP rs1408093009, ClinGen allele CA402146678.

ClinVar aggregate classification (germline): Uncertain significance. Review status: criteria provided, multiple submitters, no conflicts (2 of 4 stars). 9 submissions from 9 submitters: Uncertain significance (9). Last evaluated 2026-03-17.

Conditions:
Arrhythmogenic right ventricular dysplasia 10. Also called: Arrhythmogenic right ventricular dysplasia/cardiomyopathy, type 10; Arrhythmogenic Right Ventricular Dysplasia/Cardiomyopathy10; ARRHYTHMOGENIC RIGHT VENTRICULAR DYSPLASIA, FAMILIAL, 10. Identifiers: MedGen C1857777, MONDO:0012434, OMIM 610193.
Arrhythmogenic right ventricular cardiomyopathy (ARVD). Also called: Arrhythmogenic cardiomyopathy; Arrhythmogenic Right Ventricular Cardiomyopathy (ARVC); Arrhythmogenic right ventricular dysplasia; Cardiomyopathy, ARVC. Identifiers: Orphanet 247, MedGen C0349788, MeSH D019571, MONDO:0016587. Disease mechanism: loss of function. Inheritance: Various modes of inheritance.
Cardiovascular phenotype. Identifiers: MedGen CN230736.
Dilated cardiomyopathy 1BB (CMD1BB). Also called: CARDIOMYOPATHY, DILATED, 1BB, SUSCEPTIBILITY TO. Identifiers: Orphanet 154, MedGen C2752072, MONDO:0013030, OMIM 612877.
Cardiomyopathy (CMYO). Also called: Cardiomyopathies. Identifiers: Orphanet 167848, MedGen C0878544, MONDO:0004994, HP:0001638. Inheritance: Various modes of inheritance.

Allele frequency attached by ClinVar (database versions not stated): gnomAD exomes below 0.00001; TOPMed below 0.00001; gnomAD 0.00001.
gnomAD v4.1: 3 of 1,614,066 alleles (0.00019%); highest among the groups gnomAD compares: African/African-American, 0.0013%; no homozygotes.

Submissions (9):

Women's Health and Genetics/Laboratory Corporation of America, LabCorp
Classification: Uncertain significance. Last evaluated: 2026-03-17. Review status: criteria provided, single submitter. Criteria: LabCorp Variant Classification Summary - May 2015. Collection method: clinical testing. Allele origin: germline.

Ambry Genetics
Classification: Uncertain significance for Cardiovascular phenotype. Last evaluated: 2025-10-14. Review status: criteria provided, single submitter. Criteria: Ambry Variant Classification Scheme 2023. Collection method: clinical testing. Allele origin: germline.
Comment: The p.P923R variant (also known as c.2768C>G), located in coding exon 15 of the DSG2 gene, results from a C to G substitution at nucleotide position 2768. The proline at codon 923 is replaced by arginine, an amino acid with dissimilar properties. This amino acid position is conserved. In addition, this alteration is predicted to be tolerated by in silico analysis. Based on the available evidence, the clinical significance of this variant remains unclear.

Molecular Diagnostic Laboratory for Inherited Cardiovascular Disease, Montreal Heart Institute
Classification: Uncertain significance for Cardiovascular phenotype. Last evaluated: 2025-04-08. Review status: criteria provided, single submitter. Criteria: ACMG Guidelines, 2015. Collection method: clinical testing. Allele origin: germline. Affected: yes.
Comment: PM2, BP4

GeneDx
Classification: Uncertain significance. Last evaluated: 2025-03-11. Review status: criteria provided, single submitter. Criteria: GeneDx Variant Classification Process June 2021. Collection method: clinical testing. Allele origin: germline. Affected: yes.
Comment: Not observed at significant frequency in large population cohorts (gnomAD); In silico analysis supports that this missense variant has a deleterious effect on protein structure/function; Has not been previously published as pathogenic or benign to our knowledge

Labcorp Genetics (formerly Invitae), Labcorp
Classification: Uncertain significance for Arrhythmogenic right ventricular dysplasia 10. Last evaluated: 2024-10-28. Review status: criteria provided, single submitter. Criteria: Invitae Variant Classification Sherloc (09022015). Collection method: clinical testing. Allele origin: germline.
Comment: This sequence change replaces proline, which is neutral and non-polar, with arginine, which is basic and polar, at codon 923 of the DSG2 protein (p.Pro923Arg). This variant is present in population databases (no rsID available, gnomAD 0.003%). This variant has not been reported in the literature in individuals affected with DSG2-related conditions. ClinVar contains an entry for this variant (Variation ID: 978279). Invitae Evidence Modeling of protein sequence and biophysical properties (such as structural, functional, and spatial information, amino acid conservation, physicochemical variation, residue mobility, and thermodynamic stability) indicates that this missense variant is not expected to disrupt DSG2 protein function with a negative predictive value of 95%. In summary, the available evidence is currently insufficient to determine the role of this variant in disease. Therefore, it has been classified as a Variant of Uncertain Significance.

Color Diagnostics, LLC DBA Color Health
Classification: Uncertain significance for Cardiomyopathy. Last evaluated: 2024-03-06. Review status: criteria provided, single submitter. Criteria: ACMG Guidelines, 2015. Collection method: clinical testing. Allele origin: germline.
Comment: This missense variant replaces proline with arginine at codon 923 of the DSG2 protein. Computational prediction suggests that this variant may not impact protein structure and function (internally defined REVEL score threshold <= 0.5, PMID: 27666373). To our knowledge, functional studies have not been reported for this variant. This variant has not been reported in individuals affected with cardiovascular disorders in the literature. This variant has been identified in 1/249156 chromosomes in the general population by the Genome Aggregation Database (gnomAD). The available evidence is insufficient to determine the role of this variant in disease conclusively. Therefore, this variant is classified as a Variant of Uncertain Significance.

All of Us Research Program, National Institutes of Health
Classification: Uncertain significance for Arrhythmogenic right ventricular cardiomyopathy. Last evaluated: 2023-11-20. Review status: criteria provided, single submitter. Criteria: ACMG Guidelines, 2015. Collection method: clinical testing. Allele origin: germline. Inheritance: Autosomal dominant inheritance. Observed: 1 variant allele, 1 heterozygote.
Comment: This missense variant replaces proline with arginine at codon 923 of the DSG2 protein. Computational prediction suggests that this variant may not impact protein structure and function (internally defined REVEL score threshold <= 0.5, PMID: 27666373). To our knowledge, functional studies have not been reported for this variant. This variant has not been reported in individuals affected with cardiovascular disorders in the literature. This variant has been identified in 1/249156 chromosomes in the general population by the Genome Aggregation Database (gnomAD). The available evidence is insufficient to determine the role of this variant in disease conclusively. Therefore, this variant is classified as a Variant of Uncertain Significance.

This study involves interpretation of variants in research participants for the purpose of population health screening. Participant phenotype was not available at the time of variant classification. Additional details can be found in publication PMID: 35346344, PMCID: PMC8962531

Blueprint Genetics
Classification: Uncertain significance. Last evaluated: 2023-09-09. Review status: criteria provided, single submitter. Criteria: ACMG Guidelines, 2015. Collection method: clinical testing. Allele origin: germline.

Fulgent Genetics
Classification: Uncertain significance for Arrhythmogenic right ventricular dysplasia 10; Dilated cardiomyopathy 1BB. Last evaluated: 2022-04-22. Review status: criteria provided, single submitter. Criteria: ACMG Guidelines, 2015. Collection method: clinical testing. Allele origin: unknown.